The following is an entry in ClinVar:

ClinVar aggregate classification (germline): Conflicting classifications of pathogenicity. Review status: criteria provided, conflicting classifications (1 of 4 stars). 5 submissions from 5 submitters: Pathogenic (1); Uncertain significance (4). Last evaluated 2026-03-20.

Conditions:
Mitochondrial DNA depletion syndrome, myopathic form (MTDPS2). Also called: MITOCHONDRIAL DNA DEPLETION MYOPATHY, TK2-RELATED; TK2-Related Mitochondrial DNA Maintenance Defect, Myopathic Form; MITOCHONDRIAL DNA DEPLETION SYNDROME 2 (MYOPATHIC TYPE). Identifiers: Orphanet 254875, MedGen C3149750, MONDO:0012301, OMIM 609560.
Progressive external ophthalmoplegia with mitochondrial DNA deletions, autosomal recessive 3 (PEOB3). Also called: PROGRESSIVE EXTERNAL OPHTHALMOPLEGIA, AUTOSOMAL RECESSIVE 3. Identifiers: Orphanet 254886, MedGen C4310734, MONDO:0014898, OMIM 617069.
Mitochondrial disease. Also called: Mitochondrial disorders; Mitochondrial disorder. Identifiers: Orphanet 68380, MedGen C0751651, MeSH D028361, MONDO:0044970.

Allele frequency attached by ClinVar (database versions not stated): gnomAD exomes below 0.00001; ExAC 0.00001; gnomAD 0.00001; TOPMed 0.00001.
gnomAD v4.1: 2 of 1,614,034 alleles (0.00012%); highest among the groups gnomAD compares: East Asian, 0.0045%; no homozygotes.

Submissions (5):

Women's Health and Genetics/Laboratory Corporation of America, LabCorp
Classification: Uncertain significance. Last evaluated: 2026-03-20. Review status: criteria provided, single submitter. Criteria: LabCorp Variant Classification Summary - May 2015. Collection method: clinical testing. Allele origin: germline.
Comment: Variant summary: TK2 c.557C>G (p.Pro186Arg) results in a non-conservative amino acid change in the encoded protein sequence. Algorithms developed to predict the effect of missense changes on protein structure and function all suggest that this variant is likely to be disruptive. The variant allele was found at a frequency of 4e-06 in 251492 control chromosomes. The available data on variant occurrences in the general population are insufficient to allow any conclusion about variant significance. c.557C>G has been observed in at least one individual affected with clinical features of Mitochondrial DNA Depletion Syndrome - TK2 Related (e.g. Dai_2019). These report(s) do not provide unequivocal conclusions about association of the variant with Mitochondrial DNA Depletion Syndrome - TK2 Related. To our knowledge, no experimental evidence demonstrating an impact on protein function has been reported. The following publication has been ascertained in the context of this evaluation (PMID: 30818899). ClinVar contains an entry for this variant (Variation ID: 2419100). Based on the evidence outlined above, the variant was classified as uncertain significance.

Genomenon, Inc
Classification: Uncertain significance for Mitochondrial disease. Last evaluated: 2025-11-24. Review status: criteria provided, single submitter. Criteria: Genomenon Sequence Variant Interpretation Standards - Updated. Collection method: curation. Allele origin: germline. Affected: yes.
Comment: TK2 p.Pro186Arg (c.557C>G) is a missense variant that changes the amino acid at residue 186 from Proline to Arginine. This variant has been observed in a proband affected with mitochondrial disease in the compound heterozygous state (40089535). This variant is not present at a significant frequency in gnomAD, and in silico models agree that this variant is possibly or probably damaging. In conclusion, we classify TK2 p.Pro186Arg (c.557C>G) as a variant of uncertain significance.

Labcorp Genetics (formerly Invitae), Labcorp
Classification: Uncertain significance. Last evaluated: 2024-04-25. Review status: criteria provided, single submitter. Criteria: Invitae Variant Classification Sherloc (09022015). Collection method: clinical testing. Allele origin: germline.
Comment: This sequence change replaces proline, which is neutral and non-polar, with arginine, which is basic and polar, at codon 186 of the TK2 protein (p.Pro186Arg). This variant is present in population databases (rs756239167, gnomAD 0.006%). This missense change has been observed in individual(s) with mitochondrial DNA depletion syndrome (PMID: 30818899). ClinVar contains an entry for this variant (Variation ID: 2419100). Advanced modeling of protein sequence and biophysical properties (such as structural, functional, and spatial information, amino acid conservation, physicochemical variation, residue mobility, and thermodynamic stability) performed at Invitae indicates that this missense variant is expected to disrupt TK2 protein function with a positive predictive value of 80%. In summary, the available evidence is currently insufficient to determine the role of this variant in disease. Therefore, it has been classified as a Variant of Uncertain Significance.

Mendelics
Classification: Pathogenic for Mitochondrial DNA depletion syndrome, myopathic form. Last evaluated: 2024-02-09. Review status: criteria provided, single submitter. Criteria: ACMG Guidelines, 2015. Collection method: clinical testing. Allele origin: unknown.

Juno Genomics, Hangzhou Juno Genomics, Inc
Classification: Uncertain significance for Progressive external ophthalmoplegia with mitochondrial DNA deletions, autosomal recessive 3; Mitochondrial DNA depletion syndrome, myopathic form. Review status: criteria provided, single submitter. Criteria: ACMG Guidelines, 2015. Collection method: clinical testing. Allele origin: germline.
Comment: Absent from controls (or at extremely low frequency if recessive) in Genome Aggregation Database.;Multiple lines of computational evidence support a deleterious effect on the gene or gene product.

Literature cited by the submitters: PubMed 30818899 (cited by Women's Health and Genetics/Laboratory Corporation of America, LabCorp and Labcorp Genetics (formerly Invitae), Labcorp); PubMed 40089535 (cited by Genomenon, Inc).

NM_004614.5(TK2):c.557C>G (p.Pro186Arg)

Gene: TK2 (thymidine kinase 2; minus strand). Cytogenetic location: 16q21.
Variant type: single nucleotide variant.
Coding change: c.557C>G on transcript NM_004614.5 (MANE Select); coding-DNA position 557, C replaced by G.
Protein change: p.Pro186Arg; replaces proline 186 with arginine.
Molecular consequence: missense variant. On other transcripts: non-coding transcript variant (1), intron variant (1).
Genome position (GRCh38, 1-based): chr16:66,517,197, G>C on the plus strand (C>G on the coding strand, the complement: TK2 is on the minus strand). VCF-style: chr16-66517197-G-C. GRCh37 (hg19) VCF-style: chr16-66551100-G-C.
Other names: c.464C>G, p.Pro155Arg (NM_001172643.1); c.482C>G, p.Pro161Arg (NM_001172644.2); c.503C>G, p.Pro168Arg (NM_001172645.2); c.410C>G, p.Pro137Arg (NM_001271934.2); c.266C>G, p.Pro89Arg (NM_001272050.2); c.357-3386C>G (NM_001271935.1); short protein forms P137R, P155R, P161R, P168R, P186R, P89R.
Identifiers: ClinVar variation 2419100 (VCV002419100.9), dbSNP rs756239167, ClinGen allele CA8093630.